The following is an entry in ClinVar:

NM_000884.3(IMPDH2):c.713A>G (p.Lys238Arg)

Gene: IMPDH2 (inosine monophosphate dehydrogenase 2; minus strand). Cytogenetic location: 3p21.31.
Variant type: single nucleotide variant.
Coding change: c.713A>G on transcript NM_000884.3 (MANE Select); coding-DNA position 713, A replaced by G.
Protein change: p.Lys238Arg; replaces lysine 238 with arginine.
Molecular consequence: missense variant.
Genome position (GRCh38, 1-based): chr3:49,026,793, T>C on the plus strand (A>G on the coding strand, the complement: IMPDH2 is on the minus strand). VCF-style: chr3-49026793-T-C. GRCh37 (hg19) VCF-style: chr3-49064226-T-C.
Other names: c.713A>G, p.Lys238Arg (NM_001410759.1); c.638A>G, p.Lys213Arg (NM_001410760.1, NM_001410761.1); short protein forms K213R, K238R.
Identifiers: ClinVar variation 1966023 (VCV001966023.5), dbSNP rs2471630299, ClinGen allele CA352740474.
Genomic context (GRCh38, chr3:49,026,793, plus strand): 5'-TACTTGTCATCCTCATGAGTGCCAATGGCTGCCCCACACAGCAGCTGTTTCTTGGCATCT[T>C]TGGAGGCTAGTGGGTAGTCCCGATTCTTCTTCAGGTCTGTCCGGGCAATGATGGCCACAA-3'
Protein context (NP_000875.2, residues 228-248): KKNRDYPLAS[Lys238Arg]DAKKQLLCGA

ClinVar aggregate classification (germline): Likely pathogenic (1 of 4 stars; one submission).

Submission:

Labcorp Genetics (formerly Invitae), Labcorp
Classification: Likely pathogenic. Last evaluated: 2022-02-24. Review status: criteria provided, single submitter. Criteria: Invitae Variant Classification Sherloc (09022015). Collection method: clinical testing. Allele origin: germline.
Comment: In summary, the currently available evidence indicates that the variant is pathogenic, but additional data are needed to prove that conclusively. Therefore, this variant has been classified as Likely Pathogenic. Algorithms developed to predict the effect of missense changes on protein structure and function are either unavailable or do not agree on the potential impact of this missense change (SIFT: "Tolerated"; PolyPhen-2: "Possibly Damaging"; Align-GVGD: "Class C0"). This missense change has been observed in individual(s) with clinical features of IMPDH2-related conditions (Invitae). In at least one individual the variant was observed to be de novo. This variant is not present in population databases (gnomAD no frequency). This sequence change replaces lysine, which is basic and polar, with arginine, which is basic and polar, at codon 238 of the IMPDH2 protein (p.Lys238Arg).